The following is an entry in ClinVar:

NM_000090.4(COL3A1):c.582+157A>G

Gene: COL3A1 (collagen type III alpha 1 chain; plus strand). Cytogenetic location: 2q32.2.
Variant type: single nucleotide variant.
Coding change: c.582+157A>G on transcript NM_000090.4 (MANE Select); 157 bases into the intron after coding-DNA position 582, A replaced by G.
Molecular consequence: intron variant.
Genome position (GRCh38, 1-based): chr2:188,988,291, A>G. VCF-style: chr2-188988291-A-G. GRCh37 (hg19) VCF-style: chr2-189853017-A-G.
Identifiers: ClinVar variation 675258 (VCV000675258.2), dbSNP rs41272803, ClinGen allele CA62588349.

ClinVar aggregate classification (germline): Likely benign. Review status: criteria provided, multiple submitters, no conflicts (2 of 4 stars). 2 submissions from 2 submitters: Likely benign (2). Last evaluated 2018-06-19.

Allele frequency attached by ClinVar (database versions not stated): 1000 Genomes Project 0.00459; 1000 Genomes Project 30x 0.00500; TOPMed 0.00892; gnomAD 0.01016 and 0.01068.

Submissions (2):

GeneDx
Classification: Likely benign. Last evaluated: 2018-06-19. Review status: criteria provided, single submitter. Criteria: GeneDx Variant Classification (06012015). Collection method: clinical testing. Allele origin: germline. Affected: yes.
Comment: This variant is considered likely benign or benign based on one or more of the following criteria: it is a conservative change, it occurs at a poorly conserved position in the protein, it is predicted to be benign by multiple in silico algorithms, and/or has population frequency not consistent with disease.

Breakthrough Genomics
Classification: Likely benign. Review status: criteria provided, single submitter. Criteria: ACMG Guidelines, 2015. Collection method: not provided. Allele origin: germline. Inheritance: Autosomal recessive inheritance. Affected: yes.